The following is an entry in ClinVar:

ClinVar aggregate classification (germline): Uncertain significance (1 of 4 stars; one submission).

Submission:

Labcorp Genetics (formerly Invitae), Labcorp
Classification: Uncertain significance. Last evaluated: 2022-06-24. Review status: criteria provided, single submitter. Criteria: Invitae Variant Classification Sherloc (09022015). Collection method: clinical testing. Allele origin: unknown.
Comment: In summary, the available evidence is currently insufficient to determine the role of this variant in disease. Therefore, it has been classified as a Variant of Uncertain Significance. This variant has not been reported in the literature in individuals affected with EXOSC2-related conditions. A gross deletion of the genomic region encompassing the full coding sequence of the EXOSC2 gene has been identified. The current clinical and genetic evidence is not sufficient to establish whether loss-of-function variants in EXOSC2 cause disease. The boundaries of this event are unknown as they extend beyond the assayed region for this gene and therefore may encompass additional genes.

NC_000009.11:g.(?_133540041)_(133761070_?)del

Genes: ABL1 (ABL proto-oncogene 1, non-receptor tyrosine kinase; plus strand), EXOSC2 (exosome component 2; plus strand), PRDM12 (PR/SET domain 12; plus strand). Cytogenetic location: 9q34.12.
Variant type: Deletion.
Identifiers: ClinVar variation 3245345 (VCV003245345.1).